The following is an entry in ClinVar:

ClinVar aggregate classification (germline): Uncertain significance (1 of 4 stars; one submission).

Submission:

CeGaT Center for Human Genetics Tuebingen
Classification: Uncertain significance. Last evaluated: 2024-02-01. Review status: criteria provided, single submitter. Criteria: CeGaT Center For Human Genetics Tuebingen Variant Classification Criteria Version 2. Collection method: clinical testing. Allele origin: germline. Affected: yes. Observed: 1 variant allele.
Comment: FUS: PM2, BP4

NM_004960.4(FUS):c.-6G>C

Gene: FUS (FUS DNA/RNA binding protein; plus strand). Cytogenetic location: 16p11.2.
Variant type: single nucleotide variant.
Coding change: c.-6G>C on transcript NM_004960.4 (MANE Select); 6 bases upstream of the start codon, G replaced by C.
Molecular consequence: 5 prime UTR variant. On other transcripts: non-coding transcript variant (1).
Genome position (GRCh38, 1-based): chr16:31,180,209, G>C. VCF-style: chr16-31180209-G-C. GRCh37 (hg19) VCF-style: chr16-31191530-G-C.
Other names: c.-6G>C (NM_001170634.1, NM_001170937.1).
Identifiers: ClinVar variation 3025729 (VCV003025729.22), dbSNP rs748050554, ClinGen allele CA8023354.